The following is an entry in ClinVar:

NM_000384.3(APOB):c.7387G>T (p.Ala2463Ser)

Gene: APOB (apolipoprotein B; minus strand). Cytogenetic location: 2p24.1.
Variant type: single nucleotide variant.
Coding change: c.7387G>T on transcript NM_000384.3 (MANE Select); coding-DNA position 7387, G replaced by T.
Protein change: p.Ala2463Ser; replaces alanine 2463 with serine.
Molecular consequence: missense variant.
Genome position (GRCh38, 1-based): chr2:21,009,481, C>A on the plus strand (G>T on the coding strand, the complement: APOB is on the minus strand). VCF-style: chr2-21009481-C-A. GRCh37 (hg19) VCF-style: chr2-21232353-C-A.
Other names: short protein forms A2463S.
Identifiers: ClinVar variation 4613666 (VCV004613666.1).

ClinVar aggregate classification (germline): Uncertain significance (1 of 4 stars; one submission).

Conditions:
Cardiovascular phenotype. Identifiers: MedGen CN230736.

Submission:

Ambry Genetics
Classification: Uncertain significance for Cardiovascular phenotype. Last evaluated: 2025-10-25. Review status: criteria provided, single submitter. Criteria: Ambry Variant Classification Scheme 2023. Collection method: clinical testing. Allele origin: germline.
Comment: The p.A2463S variant (also known as c.7387G>T), located in coding exon 26 of the APOB gene, results from a G to T substitution at nucleotide position 7387. The alanine at codon 2463 is replaced by serine, an amino acid with similar properties. This amino acid position is conserved. In addition, this alteration is predicted to be tolerated by in silico analysis. Based on the available evidence, the clinical significance of this variant remains unclear.